The following is an entry in ClinVar:

ClinVar aggregate classification (germline): Uncertain significance (1 of 4 stars; one submission).

Allele frequency attached by ClinVar (database versions not stated): gnomAD exomes below 0.00001.
gnomAD v4.1: 1 of 1,614,048 alleles (0.000062%); highest among the groups gnomAD compares: Admixed American, 0.0017%; no homozygotes.

Submission:

GeneDx
Classification: Uncertain significance. Last evaluated: 2019-05-24. Review status: criteria provided, single submitter. Criteria: GeneDx Variant Classification Process June 2021. Collection method: clinical testing. Allele origin: germline. Affected: yes.
Comment: Not observed at a significant frequency in large population cohorts (Lek et al., 2016); In silico analysis, which includes protein predictors and evolutionary conservation, supports a deleterious effect; Has not been previously published as pathogenic or benign to our knowledge

NM_138691.3(TMC1):c.1769G>T (p.Gly590Val)

Gene: TMC1 (transmembrane channel like 1; plus strand). Cytogenetic location: 9q21.13.
Variant type: single nucleotide variant.
Coding change: c.1769G>T on transcript NM_138691.3 (MANE Select); coding-DNA position 1769, G replaced by T.
Protein change: p.Gly590Val; replaces glycine 590 with valine.
Molecular consequence: missense variant.
Genome position (GRCh38, 1-based): chr9:72,820,847, G>T. VCF-style: chr9-72820847-G-T. GRCh37 (hg19) VCF-style: chr9-75435763-G-T.
Other names: short protein forms G590V.
Identifiers: ClinVar variation 1306122 (VCV001306122.2), dbSNP rs1397306960, ClinGen allele CA373669539.